The following is an entry in ClinVar:

NM_012082.4(ZFPM2):c.139T>A (p.Ser47Thr)

Gene: ZFPM2 (zinc finger protein, FOG family member 2; plus strand). Cytogenetic location: 8q23.1.
Variant type: single nucleotide variant.
Coding change: c.139T>A on transcript NM_012082.4 (MANE Select); coding-DNA position 139, T replaced by A.
Protein change: p.Ser47Thr; replaces serine 47 with threonine.
Molecular consequence: missense variant. On other transcripts: 5 prime UTR variant (1), intron variant (1).
Genome position (GRCh38, 1-based): chr8:105,419,242, T>A. VCF-style: chr8-105419242-T-A. GRCh37 (hg19) VCF-style: chr8-106431470-T-A.
Other names: c.-258T>A (NM_001362837.2); c.41-25038T>A (NM_001362836.2); short protein forms S47T.
Identifiers: ClinVar variation 3702670 (VCV003702670.2).

ClinVar aggregate classification (germline): Uncertain significance (1 of 4 stars; one submission).

Conditions:
46,XY sex reversal 9 (SRXY9). Also called: 46,XY SEX REVERSAL, ZFPM2-RELATED. Identifiers: Orphanet 251510, MedGen C4015129, MONDO:0014480, OMIM 616067.

gnomAD v4.1: 2 of 1,613,574 alleles (0.00012%); highest among the groups gnomAD compares: Middle Eastern, 0.016%; no homozygotes.

Submission:

Labcorp Genetics (formerly Invitae), Labcorp
Classification: Uncertain significance for 46,XY sex reversal 9. Last evaluated: 2024-10-22. Review status: criteria provided, single submitter. Criteria: Invitae Variant Classification Sherloc (09022015). Collection method: clinical testing. Allele origin: germline.
Comment: This sequence change replaces serine, which is neutral and polar, with threonine, which is neutral and polar, at codon 47 of the ZFPM2 protein (p.Ser47Thr). This variant is not present in population databases (gnomAD no frequency). This variant has not been reported in the literature in individuals affected with ZFPM2-related conditions. An algorithm developed to predict the effect of missense changes on protein structure and function (PolyPhen-2) suggests that this variant is likely to be tolerated. In summary, the available evidence is currently insufficient to determine the role of this variant in disease. Therefore, it has been classified as a Variant of Uncertain Significance.